The following is an entry in ClinVar:

ClinVar aggregate classification (germline): Pathogenic (1 of 4 stars; one submission).

Conditions:
Familial focal epilepsy with variable foci (FPEVF). Identifiers: Orphanet 98820, MedGen C1858477, MONDO:0020310.

Submission:

Labcorp Genetics (formerly Invitae), Labcorp
Classification: Pathogenic for Familial focal epilepsy with variable foci. Last evaluated: 2025-11-15. Review status: criteria provided, single submitter. Criteria: Invitae Variant Classification Sherloc (09022015). Collection method: clinical testing. Allele origin: germline.
Comment: This sequence change creates a premature translational stop signal (p.Tyr191Leufs*3) in the DEPDC5 gene. It is expected to result in an absent or disrupted protein product. Loss-of-function variants in DEPDC5 are known to be pathogenic (PMID: 23542697, 23542701). This variant is not present in population databases (gnomAD no frequency). This variant has not been reported in the literature in individuals affected with DEPDC5-related conditions. For these reasons, this variant has been classified as Pathogenic.

Literature cited by the submitters: PubMed 23542697; PubMed 23542701.

NM_001242896.3(DEPDC5):c.571dup (p.Tyr191fs)

Gene: DEPDC5 (DEP domain containing 5, GATOR1 subcomplex subunit; plus strand). Cytogenetic location: 22q12.2.
Variant type: Duplication.
Coding change: c.571dup on transcript NM_001242896.3 (MANE Select); coding-DNA position 571, one base duplicated (T; older notation c.571dupT).
Protein change: p.Tyr191fs; shifts the reading frame from tyrosine 191.
Molecular consequence: frameshift variant. On other transcripts: non-coding transcript variant (5).
Genome position (GRCh38, 1-based): chr22:31,784,822, T duplicated. VCF-style (leftmost placement, unchanged base first): chr22-31784821-G-GT. GRCh37 (hg19) VCF-style: chr22-32180807-G-GT.
Other names: c.571dup, p.Tyr191fs (NM_001007188.4, NM_001136029.4, NM_001242897.2 and 7 more transcripts); c.487dup, p.Tyr163fs (NM_001369901.1, NM_001369902.1); short protein forms Y163fs, Y191fs.
Identifiers: ClinVar variation 4731232 (VCV004731232.1).